The following is an entry in ClinVar:

NM_001384272.1(HCRTR2):c.846G>A (p.Thr282=)

Gene: HCRTR2 (hypocretin receptor 2; plus strand). Cytogenetic location: 6p12.1.
Variant type: single nucleotide variant.
Coding change: c.846G>A on transcript NM_001384272.1 (MANE Select); coding-DNA position 846, G replaced by A.
Protein change: p.Thr282=; no amino-acid change (threonine 282 retained).
Molecular consequence: synonymous variant.
Genome position (GRCh38, 1-based): chr6:55,277,463, G>A. VCF-style: chr6-55277463-G-A. GRCh37 (hg19) VCF-style: chr6-55142261-G-A.
Other names: c.846G>A, p.Thr282= (NM_001526.5); c.846G>A (NM_001526.4).
Identifiers: ClinVar variation 768101 (VCV000768101.6), dbSNP rs12111299, ClinGen allele CA3863604.

ClinVar aggregate classification (germline): Benign. Review status: criteria provided, single submitter (1 of 4 stars). 2 submissions from 2 submitters: Benign (1). 1 of the submissions does not count toward it. Last evaluated 2019-12-31.

Conditions:
HCRTR2-related disorder. Also called: HCRTR2-related condition.

Allele frequency attached by ClinVar (database versions not stated): 1000 Genomes Project 0.02476; 1000 Genomes Project 30x 0.02623; TOPMed 0.02917; ESP Exome Variant Server 0.02983.
gnomAD v4.1: 8,244 of 1,614,052 alleles (0.51%); highest among the groups gnomAD compares: African/African-American, 8.7%; 333 homozygotes.

Submissions (2):

Labcorp Genetics (formerly Invitae), Labcorp
Classification: Benign. Last evaluated: 2019-12-31. Review status: criteria provided, single submitter. Criteria: Invitae Variant Classification Sherloc (09022015). Collection method: clinical testing. Allele origin: germline.

PreventionGenetics, part of Exact Sciences
Classification: Benign for HCRTR2-related condition. Last evaluated: 2019-05-31. Review status: no assertion criteria provided. Collection method: clinical testing. Allele origin: germline. Not counted in ClinVar's aggregate classification.
Comment: This variant is classified as benign based on ACMG/AMP sequence variant interpretation guidelines (Richards et al. 2015 PMID: 25741868, with internal and published modifications).